The following is an entry in ClinVar:

NM_015338.6(ASXL1):c.2592C>T (p.Asp864=)

Gene: ASXL1 (ASXL transcriptional regulator 1; plus strand). Cytogenetic location: 20q11.21.
Variant type: single nucleotide variant.
Coding change: c.2592C>T on transcript NM_015338.6 (MANE Select); coding-DNA position 2592, C replaced by T.
Protein change: p.Asp864=; no amino-acid change (aspartic acid 864 retained).
Molecular consequence: synonymous variant.
Genome position (GRCh38, 1-based): chr20:32,435,304, C>T. VCF-style: chr20-32435304-C-T. GRCh37 (hg19) VCF-style: chr20-31023107-C-T.
Other names: c.2409C>T, p.Asp803= (NM_001363734.1); c.2592C>T (NM_015338.5).
Identifiers: ClinVar variation 1564470 (VCV001564470.33), dbSNP rs147278940, ClinGen allele CA9808658.

ClinVar aggregate classification (germline): Likely benign. Review status: criteria provided, multiple submitters, no conflicts (2 of 4 stars). 4 submissions from 4 submitters: Likely benign (4). Last evaluated 2026-06-28.

Conditions:
ASXL1-related disorder. Also called: ASXL1-related condition; ASXL1-related disorders.
Inborn genetic diseases. Identifiers: MedGen C0950123, MeSH D030342.

Allele frequency attached by ClinVar (database versions not stated): ExAC 0.00007; gnomAD exomes 0.00009 and 0.00017; TOPMed 0.00011; gnomAD 0.00016 and 0.00017; ESP Exome Variant Server 0.00031; 1000 Genomes Project 30x 0.00094; 1000 Genomes Project 0.00120.
gnomAD v4.1: 265 of 1,614,162 alleles (0.016%); highest among the groups gnomAD compares: African/African-American, 0.043%; no homozygotes.

Submissions (4):

PreventionGenetics, part of Exact Sciences
Classification: Likely benign for ASXL1-related condition. Last evaluated: 2026-06-28. Review status: criteria provided, single submitter. Criteria: ACMG Guidelines, 2015. Collection method: clinical testing. Allele origin: germline.
Comment: This variant is classified as likely benign based on ACMG/AMP sequence variant interpretation guidelines (Richards et al. 2015 PMID: 25741868, with internal and published modifications).

Labcorp Genetics (formerly Invitae), Labcorp
Classification: Likely benign. Last evaluated: 2025-11-26. Review status: criteria provided, single submitter. Criteria: Invitae Variant Classification Sherloc (09022015). Collection method: clinical testing. Allele origin: germline.

Ambry Genetics
Classification: Likely benign for Inborn genetic diseases. Last evaluated: 2024-10-02. Review status: criteria provided, single submitter. Criteria: Ambry Variant Classification Scheme 2023. Collection method: clinical testing. Allele origin: germline.

CeGaT Center for Human Genetics Tuebingen
Classification: Likely benign. Last evaluated: 2022-08-01. Review status: criteria provided, single submitter. Criteria: CeGaT Center For Human Genetics Tuebingen Variant Classification Criteria Version 2. Collection method: clinical testing. Allele origin: germline. Affected: yes. Observed: 1 variant allele.
Comment: ASXL1: BP4, BP7